The following is an entry in ClinVar:

ClinVar aggregate classification (germline): Pathogenic (1 of 4 stars; one submission).

Conditions:
Marfan syndrome (MFS). Also called: MARFAN SYNDROME, TYPE I; Marfan syndrome type 1; Marfan's syndrome; Marfan syndrome, classic; FBN1-Related Marfan Syndrome. Identifiers: Orphanet 284963, Orphanet 558, MedGen C0024796, MONDO:0007947, OMIM 154700.
Familial thoracic aortic aneurysm and aortic dissection (TAAD). Also called: Thoracic aortic aneurysms and dissections. Identifiers: Orphanet 91387, MedGen C4707243, MONDO:0019625.

Submission:

Labcorp Genetics (formerly Invitae), Labcorp
Classification: Pathogenic for Marfan syndrome; Familial thoracic aortic aneurysm and aortic dissection. Last evaluated: 2023-12-21. Review status: criteria provided, single submitter. Criteria: Invitae Variant Classification Sherloc (09022015). Collection method: clinical testing. Allele origin: unknown.
Comment: This variant is a gross deletion of the genomic region encompassing exon(s) 46-47 of the FBN1 gene. This variant would be expected to be in-frame, preserving the integrity of the reading frame. This variant has not been reported in the literature in individuals affected with FBN1-related conditions. This variant affects a cysteine residue in the EGF-like, TGFBP or hybrid motif domains of FBN1. Cysteine residues are believed to be involved in intramolecular disulfide bridges and have been shown to be important for FBN1 protein structure (PMID: 16905551, 19349279). In addition, missense substitutions affecting cysteine residues within these domains are significantly overrepresented among patients with Marfan syndrome (PMID: 16571647, 17701892). For these reasons, this variant has been classified as Pathogenic.

Literature cited by the submitters: PubMed 16905551; PubMed 19349279; PubMed 16571647; PubMed 17701892.

NC_000015.9:g.(?_48738883)_(48741110_?)del

Gene: FBN1 (fibrillin 1; minus strand). Cytogenetic location: 15q21.1.
Variant type: Deletion.
Identifiers: ClinVar variation 3243727 (VCV003243727.1).